The following is an entry in ClinVar:

ClinVar aggregate classification (germline): Uncertain significance. Review status: criteria provided, multiple submitters, no conflicts (2 of 4 stars). 2 submissions from 2 submitters: Uncertain significance (2). Last evaluated 2025-10-29.

Conditions:
Inborn genetic diseases. Identifiers: MedGen C0950123, MeSH D030342.

Allele frequency attached by ClinVar (database versions not stated): gnomAD exomes 0.00001; gnomAD 0.00002; TOPMed 0.00002.
gnomAD v4.1: 25 of 1,614,036 alleles (0.0015%); highest among the groups gnomAD compares: African/African-American, 0.0067%; 1 homozygote.

Submissions (2):

Ambry Genetics
Classification: Uncertain significance for Inborn genetic diseases. Last evaluated: 2025-10-29. Review status: criteria provided, single submitter. Criteria: Ambry Variant Classification Scheme 2023. Collection method: clinical testing. Allele origin: germline.

GeneDx
Classification: Uncertain significance. Last evaluated: 2025-01-14. Review status: criteria provided, single submitter. Criteria: GeneDx Variant Classification Process June 2021. Collection method: clinical testing. Allele origin: germline.
Comment: In silico analysis supports that this missense variant has a deleterious effect on protein structure/function; Has not been previously published as pathogenic or benign to our knowledge

NM_001382347.1(MYO5A):c.4976C>T (p.Thr1659Met)

Gene: MYO5A (myosin VA; minus strand). Cytogenetic location: 15q21.2.
Variant type: single nucleotide variant.
Coding change: c.4976C>T on transcript NM_001382347.1 (MANE Select); coding-DNA position 4976, C replaced by T.
Protein change: p.Thr1659Met; replaces threonine 1659 with methionine.
Molecular consequence: missense variant.
Genome position (GRCh38, 1-based): chr15:52,319,318, G>A on the plus strand (C>T on the coding strand, the complement: MYO5A is on the minus strand). VCF-style: chr15-52319318-G-A. GRCh37 (hg19) VCF-style: chr15-52611515-G-A.
Other names: c.4901C>T, p.Thr1634Met (NM_000259.3); c.4820C>T, p.Thr1607Met (NM_001142495.2); c.5048C>T, p.Thr1683Met (NM_001382348.1); c.4973C>T, p.Thr1658Met (NM_001382349.1); c.4892C>T, p.Thr1631Met (NM_001411135.1); short protein forms T1607M, T1631M, T1634M, T1658M, T1659M, T1683M.
Identifiers: ClinVar variation 2661988 (VCV002661988.3), dbSNP rs1013885602, ClinGen allele CA270683677.